The following is an entry in ClinVar:

NM_001098426.2(SMARCD2):c.184_192del (p.Met62_Pro64del)

Genes: SMARCD2 (SWI/SNF related BAF chromatin remodeling complex subunit D2; minus strand), LOC130061409 (ATAC-STARR-seq lymphoblastoid silent region 8832; plus strand). Cytogenetic location: 17q23.3.
Variant type: Deletion.
Coding change: c.184_192del on transcript NM_001098426.2 (MANE Select); coding-DNA positions 184 to 192, 9 bases deleted (ATGGGCCCC; older notation c.184_192delATGGGCCCC).
Protein change: p.Met62_Pro64del.
Molecular consequence: inframe deletion.
Genome position (GRCh38, 1-based): chr17:63,842,483-63,842,491, GGGGCCCAT deleted on the plus strand (ATGGGCCCC on the coding strand, the reverse complement: SMARCD2 is on the minus strand); deleting any 9 consecutive bases within chr17:63,842,483-63,842,496 gives the same sequence; the c. name uses the placement nearest the transcript's 3' end. VCF-style (leftmost placement, unchanged base first): chr17-63842482-CGGGGCCCAT-C. GRCh37 (hg19) VCF-style: chr17-61919842-CGGGGCCCAT-C.
Identifiers: ClinVar variation 1944698 (VCV001944698.3), dbSNP rs1904509280, ClinGen allele CA985425078.

ClinVar aggregate classification (germline): Uncertain significance. Review status: criteria provided, multiple submitters, no conflicts (2 of 4 stars). 2 submissions from 2 submitters: Uncertain significance (2). Last evaluated 2022-11-09.

Submissions (2):

Blueprint Genetics
Classification: Uncertain significance. Last evaluated: 2022-11-09. Review status: criteria provided, single submitter. Criteria: ACMG Guidelines, 2015. Collection method: clinical testing. Allele origin: germline.

Labcorp Genetics (formerly Invitae), Labcorp
Classification: Uncertain significance. Last evaluated: 2022-05-29. Review status: criteria provided, single submitter. Criteria: Invitae Variant Classification Sherloc (09022015). Collection method: clinical testing. Allele origin: germline.
Comment: This variant, c.184_192del, results in the deletion of 3 amino acid(s) of the SMARCD2 protein (p.Met62_Pro64del), but otherwise preserves the integrity of the reading frame. This variant is not present in population databases (gnomAD no frequency). This variant has not been reported in the literature in individuals affected with SMARCD2-related conditions. Experimental studies and prediction algorithms are not available or were not evaluated, and the functional significance of this variant is currently unknown. In summary, the available evidence is currently insufficient to determine the role of this variant in disease. Therefore, it has been classified as a Variant of Uncertain Significance.